The following is an entry in ClinVar:

NM_004260.4(RECQL4):c.335A>G (p.Asn112Ser)

Gene: RECQL4 (RecQ like helicase 4; minus strand). Cytogenetic location: 8q24.3.
Variant type: single nucleotide variant.
Coding change: c.335A>G on transcript NM_004260.4 (MANE Select); coding-DNA position 335, A replaced by G.
Protein change: p.Asn112Ser; replaces asparagine 112 with serine.
Molecular consequence: missense variant.
Genome position (GRCh38, 1-based): chr8:144,517,069, T>C on the plus strand (A>G on the coding strand, the complement: RECQL4 is on the minus strand). VCF-style: chr8-144517069-T-C. GRCh37 (hg19) VCF-style: chr8-145742453-T-C.
Other names: short protein forms N112S.
Identifiers: ClinVar variation 406932 (VCV000406932.8), dbSNP rs372651895, ClinGen allele CA4949374.
Genomic context (GRCh38, chr8:144,517,069, plus strand): 5'-CTGTGGACCTAGCGTGGACTCACTGCCTGCCCACTCCTCACCTGCAGGGTGCCTTTCAGA[T>C]TGGCCTTGAGCCGCTGCCCGTAGTCCGGCACCGAGCCCTGGCGGCTCCGCCCTGGCGTAG-3'
Protein context (NP_004251.4, residues 102-122): VPDYGQRLKA[Asn112Ser]LKGTLQAGPA

ClinVar aggregate classification (germline): Uncertain significance. Review status: criteria provided, multiple submitters, no conflicts (2 of 4 stars). 2 submissions from 2 submitters: Uncertain significance (2). Last evaluated 2024-12-14.

Conditions:
Inborn genetic diseases. Identifiers: MedGen C0950123, MeSH D030342.
Baller-Gerold syndrome (BGS). Also called: CRANIOSYNOSTOSIS WITH RADIAL DEFECTS. Identifiers: Orphanet 1225, MedGen C0265308, MONDO:0009039, OMIM 218600.

Allele frequency attached by ClinVar (database versions not stated): gnomAD exomes below 0.00001; ExAC 0.00002; gnomAD 0.00002; TOPMed 0.00002; ESP Exome Variant Server 0.00016.
gnomAD v4.1: 4 of 1,611,364 alleles (0.00025%); highest among the groups gnomAD compares: African/African-American, 0.004%; no homozygotes.

Submissions (2):

Ambry Genetics
Classification: Uncertain significance for Inborn genetic diseases. Last evaluated: 2024-12-14. Review status: criteria provided, single submitter. Criteria: Ambry Variant Classification Scheme 2023. Collection method: clinical testing. Allele origin: germline.
Comment: The p.N112S variant (also known as c.335A>G), located in coding exon 4 of the RECQL4 gene, results from an A to G substitution at nucleotide position 335. The asparagine at codon 112 is replaced by serine, an amino acid with highly similar properties. This amino acid position is conserved. In addition, this alteration is predicted to be tolerated by in silico analysis. Based on the available evidence, the clinical significance of this variant remains unclear.

Labcorp Genetics (formerly Invitae), Labcorp
Classification: Uncertain significance for Baller-Gerold syndrome. Last evaluated: 2024-05-07. Review status: criteria provided, single submitter. Criteria: Invitae Variant Classification Sherloc (09022015). Collection method: clinical testing. Allele origin: germline.
Comment: This sequence change replaces asparagine, which is neutral and polar, with serine, which is neutral and polar, at codon 112 of the RECQL4 protein (p.Asn112Ser). This variant is present in population databases (rs372651895, gnomAD 0.01%). This variant has not been reported in the literature in individuals affected with RECQL4-related conditions. ClinVar contains an entry for this variant (Variation ID: 406932). Advanced modeling of protein sequence and biophysical properties (such as structural, functional, and spatial information, amino acid conservation, physicochemical variation, residue mobility, and thermodynamic stability) performed at Invitae indicates that this missense variant is not expected to disrupt RECQL4 protein function with a negative predictive value of 80%. In summary, the available evidence is currently insufficient to determine the role of this variant in disease. Therefore, it has been classified as a Variant of Uncertain Significance.